The following is an entry in ClinVar:

ClinVar aggregate classification (germline): Uncertain significance (1 of 4 stars; one submission).

Conditions:
Netherton syndrome (NETH). Also called: NETHERTON DISEASE; ERYTHRODERMA, ICHTHYOSIFORM, WITH HYPOTRICHOSIS AND HYPER-IgE; COMEL-NETHERTON SYNDROME. Identifiers: Orphanet 634, MedGen C5574950, MONDO:0009735, OMIM 256500.

gnomAD v4.1: 1 of 1,613,924 alleles (0.000062%); highest among the groups gnomAD compares: Non-Finnish European, 0.000085%; no homozygotes.

Submission:

Labcorp Genetics (formerly Invitae), Labcorp
Classification: Uncertain significance for Ichthyosis linearis circumflexa. Last evaluated: 2021-12-18. Review status: criteria provided, single submitter. Criteria: Invitae Variant Classification Sherloc (09022015). Collection method: clinical testing. Allele origin: germline.
Comment: This sequence change replaces arginine, which is basic and polar, with leucine, which is neutral and non-polar, at codon 1041 of the SPINK5 protein (p.Arg1041Leu). This variant is not present in population databases (gnomAD no frequency). This variant has not been reported in the literature in individuals affected with SPINK5-related conditions. Algorithms developed to predict the effect of missense changes on protein structure and function output the following: SIFT: "Deleterious"; PolyPhen-2: "Benign"; Align-GVGD: "Class C0". The leucine amino acid residue is found in multiple mammalian species, which suggests that this missense change does not adversely affect protein function. In summary, the available evidence is currently insufficient to determine the role of this variant in disease. Therefore, it has been classified as a Variant of Uncertain Significance.

NM_006846.4(SPINK5):c.3122G>T (p.Arg1041Leu)

Gene: SPINK5 (serine peptidase inhibitor Kazal type 5; plus strand). Cytogenetic location: 5q32.
Variant type: single nucleotide variant.
Coding change: c.3122G>T on transcript NM_006846.4 (MANE Select); coding-DNA position 3122, G replaced by T.
Protein change: p.Arg1041Leu; replaces arginine 1041 with leucine.
Molecular consequence: missense variant.
Genome position (GRCh38, 1-based): chr5:148,133,823, G>T. VCF-style: chr5-148133823-G-T. GRCh37 (hg19) VCF-style: chr5-147513386-G-T.
Other names: c.3212G>T, p.Arg1071Leu (NM_001127698.2); short protein forms R1071L, R1041L.
Identifiers: ClinVar variation 2077671 (VCV002077671.1), dbSNP rs1412152696, ClinGen allele CA361652347.
Genomic context (GRCh38, chr5:148,133,823, plus strand): 5'-CCTCGTTGTTGAAGCATCCTCTGATCTGTTTTAGGATACGCCAAACAAATACACACATCC[G>T]CAGTACAGGGAAGTGTGAGGAGAGCAGCACCCCAGGAACCACCGCAGCCAGCATGCCCCC-3'
Protein context (NP_006837.2, residues 1031-1051): NLIRQTNTHI[Arg1041Leu]STGKCEESST